The following is an entry in ClinVar:

ClinVar aggregate classification (germline): Uncertain significance (1 of 4 stars; one submission).

Conditions:
TRIOBP-related disorder. Also called: TRIOBP-related condition.

gnomAD v4.1: 26 of 1,613,600 alleles (0.0016%); highest among the groups gnomAD compares: Admixed American, 0.015%; no homozygotes.

Submission:

PreventionGenetics, part of Exact Sciences
Classification: Uncertain significance for TRIOBP-related condition. Last evaluated: 2025-05-21. Review status: criteria provided, single submitter. Criteria: ACMG Guidelines, 2015. Collection method: clinical testing. Allele origin: germline.
Comment: The TRIOBP c.2393G>A variant is predicted to result in the amino acid substitution p.Arg798Gln. To our knowledge, this variant has not been reported in the literature. This variant is reported in 0.026% of alleles in individuals of Latino descent in gnomAD. At this time, the clinical significance of this variant is uncertain due to the absence of conclusive functional and genetic evidence.

NM_001039141.3(TRIOBP):c.2393G>A (p.Arg798Gln)

Gene: TRIOBP (TRIO and F-actin binding protein; plus strand). Cytogenetic location: 22q13.1.
Variant type: single nucleotide variant.
Coding change: c.2393G>A on transcript NM_001039141.3 (MANE Select); coding-DNA position 2393, G replaced by A.
Protein change: p.Arg798Gln; replaces arginine 798 with glutamine.
Molecular consequence: missense variant.
Genome position (GRCh38, 1-based): chr22:37,724,949, G>A. VCF-style: chr22-37724949-G-A. GRCh37 (hg19) VCF-style: chr22-38120956-G-A.
Other names: short protein forms R798Q.
Identifiers: ClinVar variation 4979855 (VCV004979855.1).
Genomic context (GRCh38, chr22:37,724,949, plus strand): 5'-CCAGGACCTCCTCTCCCAATAGAGCCACACGAGACAACCCCAGAACATCCTGTGCCCAGC[G>A]GGACAATCTCAGAGCCTCCTCTCCCATCAGAGCCACCCAACAGGACAACCCCAGAACTTG-3'
Protein context (NP_001034230.1, residues 788-808): RDNPRTSCAQ[Arg798Gln]DNLRASSPIR